The following is an entry in ClinVar:

NM_177438.3(DICER1):c.4181C>G (p.Thr1394Arg)

Gene: DICER1 (dicer 1, ribonuclease III; minus strand). Cytogenetic location: 14q32.13.
Variant type: single nucleotide variant.
Coding change: c.4181C>G on transcript NM_177438.3 (MANE Select); coding-DNA position 4181, C replaced by G.
Protein change: p.Thr1394Arg; replaces threonine 1394 with arginine.
Molecular consequence: missense variant. On other transcripts: non-coding transcript variant (6).
Genome position (GRCh38, 1-based): chr14:95,099,805, G>C on the plus strand (C>G on the coding strand, the complement: DICER1 is on the minus strand). VCF-style: chr14-95099805-G-C. GRCh37 (hg19) VCF-style: chr14-95566142-G-C.
Other names: c.4181C>G, p.Thr1394Arg (NM_001195573.1, NM_001271282.3, NM_001291628.2 and 13 more transcripts); c.3899C>G, p.Thr1300Arg (NM_001395686.1); c.3776C>G, p.Thr1259Arg (NM_001395687.1, NM_001395688.1, NM_001395689.1 and 2 more transcripts); c.3614C>G, p.Thr1205Arg (NM_001395691.1); c.2498C>G, p.Thr833Arg (NM_001395697.1); short protein forms T1205R, T1259R, T833R, T1300R, T1394R.
Identifiers: ClinVar variation 1738502 (VCV001738502.2), dbSNP rs2542598527, ClinGen allele CA390871790.

ClinVar aggregate classification (germline): Uncertain significance (1 of 4 stars; one submission).

Conditions:
Hereditary cancer-predisposing syndrome. Also called: Hereditary Cancer Syndrome; Hereditary neoplastic syndrome; Neoplastic Syndromes, Hereditary; Tumor predisposition. Identifiers: Orphanet 140162, MedGen C0027672, MeSH D009386, MONDO:0015356.

Submission:

Ambry Genetics
Classification: Uncertain significance for Hereditary cancer-predisposing syndrome. Last evaluated: 2022-02-07. Review status: criteria provided, single submitter. Criteria: Ambry Variant Classification Scheme 2023. Collection method: clinical testing. Allele origin: germline.
Comment: The p.T1394R variant (also known as c.4181C>G), located in coding exon 21 of the DICER1 gene, results from a C to G substitution at nucleotide position 4181. The threonine at codon 1394 is replaced by arginine, an amino acid with similar properties. This amino acid position is conserved. In addition, the in silico prediction for this alteration is inconclusive. Since supporting evidence is limited at this time, the clinical significance of this alteration remains unclear.